The following is an entry in ClinVar:

ClinVar aggregate classification (germline): Uncertain significance. Review status: criteria provided, multiple submitters, no conflicts (2 of 4 stars). 2 submissions from 2 submitters: Uncertain significance (2). Last evaluated 2024-12-04.

Conditions:
Inborn genetic diseases. Identifiers: MedGen C0950123, MeSH D030342.
COG1 congenital disorder of glycosylation (CDG2G). Also called: CONGENITAL DISORDER OF GLYCOSYLATION, TYPE IIg; CDG IIg; CDGII/COG1 CEREBROCOSTOMANDIBULAR-LIKE SYNDROME. Identifiers: Orphanet 263508, MedGen C2931011, MONDO:0012637, OMIM 611209.

Allele frequency attached by ClinVar (database versions not stated): gnomAD 0.00003; TOPMed 0.00008; ExAC 0.00012; 1000 Genomes Project 30x 0.00031; 1000 Genomes Project 0.00040.

Submissions (2):

Ambry Genetics
Classification: Uncertain significance for Inborn genetic diseases. Last evaluated: 2024-12-04. Review status: criteria provided, single submitter. Criteria: Ambry Variant Classification Scheme 2023. Collection method: clinical testing. Allele origin: germline.

Labcorp Genetics (formerly Invitae), Labcorp
Classification: Uncertain significance for COG1 congenital disorder of glycosylation. Last evaluated: 2022-07-30. Review status: criteria provided, single submitter. Criteria: Invitae Variant Classification Sherloc (09022015). Collection method: clinical testing. Allele origin: germline.
Comment: This sequence change replaces arginine, which is basic and polar, with glutamine, which is neutral and polar, at codon 805 of the COG1 protein (p.Arg805Gln). This variant is present in population databases (rs200192329, gnomAD 0.1%). This variant has not been reported in the literature in individuals affected with COG1-related conditions. Algorithms developed to predict the effect of missense changes on protein structure and function output the following: SIFT: "Tolerated"; PolyPhen-2: "Benign"; Align-GVGD: "Class C0". The glutamine amino acid residue is found in multiple mammalian species, which suggests that this missense change does not adversely affect protein function. In summary, the available evidence is currently insufficient to determine the role of this variant in disease. Therefore, it has been classified as a Variant of Uncertain Significance.

NM_018714.3(COG1):c.2414G>A (p.Arg805Gln)

Gene: COG1 (component of oligomeric golgi complex 1; plus strand). Cytogenetic location: 17q25.1.
Variant type: single nucleotide variant.
Coding change: c.2414G>A on transcript NM_018714.3 (MANE Select); coding-DNA position 2414, G replaced by A.
Protein change: p.Arg805Gln; replaces arginine 805 with glutamine.
Molecular consequence: missense variant.
Genome position (GRCh38, 1-based): chr17:73,205,584, G>A. VCF-style: chr17-73205584-G-A. GRCh37 (hg19) VCF-style: chr17-71201723-G-A.
Other names: c.2414G>A (NM_018714.2); short protein forms R805Q.
Identifiers: ClinVar variation 2070551 (VCV002070551.5), dbSNP rs200192329, ClinGen allele CA8740469.